The following is an entry in ClinVar:

NM_000545.8(HNF1A):c.210C>T (p.Ser70=)

Gene: HNF1A (HNF1 homeobox A; plus strand). Cytogenetic location: 12q24.31.
Variant type: single nucleotide variant.
Coding change: c.210C>T on transcript NM_000545.8 (MANE Select); coding-DNA position 210, C replaced by T.
Protein change: p.Ser70=; no amino-acid change (serine 70 retained).
Molecular consequence: synonymous variant.
Genome position (GRCh38, 1-based): chr12:120,978,978, C>T. VCF-style: chr12-120978978-C-T. GRCh37 (hg19) VCF-style: chr12-121416781-C-T.
Other names: c.210C>T (NM_000545.6); c.210C>T, p.Ser70= (NM_001306179.2).
Identifiers: ClinVar variation 134504 (VCV000134504.16), dbSNP rs146686581, ClinGen allele CA159998.

ClinVar aggregate classification (germline): Benign/Likely benign. Review status: criteria provided, multiple submitters, no conflicts (2 of 4 stars). 9 submissions from 8 submitters: Benign (6); Likely benign (2). 1 of the submissions does not count toward it. Last evaluated 2025-12-22.

Conditions:
Maturity-onset diabetes of the young (MODY). Also called: Maturity onset diabetes mellitus in young. Identifiers: Orphanet 552, MedGen C0342276, MONDO:0018911, HP:0004904.
Nonpapillary renal cell carcinoma. Identifiers: Orphanet 422526, MedGen CN074294, MONDO:0007763, OMIM 144700.
Maturity-onset diabetes of the young type 3. Also called: MODY type 3; MODY, type III. Identifiers: Orphanet 552, MedGen C1838100, MeSH C563933, MONDO:0010894, OMIM 600496. Disease mechanism: loss of function.

Allele frequency attached by ClinVar (database versions not stated): gnomAD exomes 0.00006 and 0.00016; ExAC 0.00029; 1000 Genomes Project 30x 0.00031; 1000 Genomes Project 0.00040; gnomAD 0.00054 and 0.00061; TOPMed 0.00067; ESP Exome Variant Server 0.00100.
gnomAD v4.1: 185 of 1,607,956 alleles (0.012%); highest among the groups gnomAD compares: African/African-American, 0.17%; 3 homozygotes.

Submissions (9):

Labcorp Genetics (formerly Invitae), Labcorp
Classification: Benign. Last evaluated: 2025-12-22. Review status: criteria provided, single submitter. Criteria: Invitae Variant Classification Sherloc (09022015). Collection method: clinical testing. Allele origin: germline.

KCCC/NGS Laboratory, Kuwait Cancer Control Center
Classification: Benign for Maturity-onset diabetes of the young type 3. Last evaluated: 2025-02-01. Review status: criteria provided, single submitter. Criteria: ACMG Guidelines, 2015. Collection method: clinical testing. Allele origin: germline. Affected: no.

Women's Health and Genetics/Laboratory Corporation of America, LabCorp
Classification: Benign. Last evaluated: 2024-12-06. Review status: criteria provided, single submitter. Criteria: LabCorp Variant Classification Summary - May 2015. Collection method: clinical testing. Allele origin: germline.

Blueprint Genetics
Classification: Likely benign. Last evaluated: 2024-01-23. Review status: criteria provided, single submitter. Criteria: ACMG Guidelines, 2015. Collection method: clinical testing. Allele origin: germline.

Ambry Genetics
Classification: Likely benign for Maturity-onset diabetes of the young. Last evaluated: 2023-12-20. Review status: criteria provided, single submitter. Criteria: Ambry Variant Classification Scheme 2023. Collection method: clinical testing. Allele origin: germline.

KCCC/NGS Laboratory, Kuwait Cancer Control Center
Classification: Benign for Nonpapillary renal cell carcinoma. Last evaluated: 2023-07-07. Review status: criteria provided, single submitter. Criteria: ACMG Guidelines, 2015. Collection method: clinical testing. Allele origin: germline. Affected: yes.

Athena Diagnostics
Classification: Benign. Last evaluated: 2017-02-14. Review status: criteria provided, single submitter. Criteria: Athena Diagnostics Criteria. Collection method: clinical testing. Allele origin: germline.

Clinical Genomics, Uppaluri K&H Personalized Medicine Clinic
Classification: Benign for Maturity-onset diabetes of the young. Review status: criteria provided, single submitter. Criteria: K & H Uppaluri Personalized Medicine Clinic Variant Classification & Assertion Criteria_Updated V.1. Collection method: research. Allele origin: unknown. Inheritance: Autosomal dominant inheritance.
Comment: Mutations in HNF1A gene can predispose to MODY3. It is associated with both micro and macrovascular complications of diabetes, especially cardiovascular complications. Associated with glucosuria. May respond well to sulfonylureas. However, more evidence is required to confer the association of this particular variant rs146686581 with MODY3.

ITMI
No classification provided. Condition: AllHighlyPenetrant. Last evaluated: 2013-09-19. Review status: no classification provided. Collection method: reference population. Allele origin: germline. Not counted in ClinVar's aggregate classification.
Comment: Please see associated publication for description of ethnicities

Literature cited by the submitters: PubMed 24728327 (cited by Athena Diagnostics and ITMI); PubMed 31517624 (cited by Clinical Genomics, Uppaluri K&H Personalized Medicine Clinic); PubMed 32395877 (cited by Clinical Genomics, Uppaluri K&H Personalized Medicine Clinic); PubMed 35328643 (cited by Clinical Genomics, Uppaluri K&H Personalized Medicine Clinic); PubMed 35673428 (cited by Clinical Genomics, Uppaluri K&H Personalized Medicine Clinic).